The following is an entry in ClinVar:

ClinVar aggregate classification (germline): Pathogenic (1 of 4 stars; one submission).

Conditions:
Dyskeratosis congenita, autosomal recessive 5 (DKCB5). Identifiers: MedGen C3554656, MONDO:0014076, OMIM 615190.
Pulmonary fibrosis and/or bone marrow failure, Telomere-related, 3. Also called: PULMONARY FIBROSIS AND/OR BONE MARROW FAILURE SYNDROME, TELOMERE-RELATED, 3. Identifiers: Orphanet 2032, MedGen C4225346, MONDO:0014613, OMIM 616373.

Submission:

Labcorp Genetics (formerly Invitae), Labcorp
Classification: Pathogenic for Dyskeratosis congenita, autosomal recessive 5; Pulmonary fibrosis and/or bone marrow failure, Telomere-related, 3. Last evaluated: 2024-01-09. Review status: criteria provided, single submitter. Criteria: Invitae Variant Classification Sherloc (09022015). Collection method: clinical testing. Allele origin: germline.
Comment: This sequence change creates a premature translational stop signal (p.Glu567*) in the RTEL1 gene. It is expected to result in an absent or disrupted protein product. Loss-of-function variants in RTEL1 are known to be pathogenic (PMID: 23453664, 23959892, 25607374). This variant is not present in population databases (gnomAD no frequency). This variant has not been reported in the literature in individuals affected with RTEL1-related conditions. Algorithms developed to predict the effect of sequence changes on RNA splicing suggest that this variant may disrupt the consensus splice site. For these reasons, this variant has been classified as Pathogenic.

Literature cited by the submitters: PubMed 23453664; PubMed 23959892; PubMed 25607374.

NM_001283009.2(RTEL1):c.1699G>T (p.Glu567Ter)

Genes: RTEL1 (regulator of telomere elongation helicase 1; plus strand), RTEL1-TNFRSF6B (RTEL1-TNFRSF6B readthrough (NMD candidate); plus strand). Cytogenetic location: 20q13.33.
Variant type: single nucleotide variant.
Coding change: c.1699G>T on transcript NM_001283009.2 (MANE Select); coding-DNA position 1699, G replaced by T.
Protein change: p.Glu567Ter; replaces glutamic acid 567 with a stop codon.
Molecular consequence: nonsense. On other transcripts: non-coding transcript variant (1).
Genome position (GRCh38, 1-based): chr20:63,688,363, G>T. VCF-style: chr20-63688363-G-T. GRCh37 (hg19) VCF-style: chr20-62319716-G-T.
Other names: c.1030G>T, p.Glu344Ter (NM_001283010.1); c.1699G>T, p.Glu567Ter (NM_016434.4); c.1771G>T, p.Glu591Ter (NM_032957.5); short protein forms E344*, E567*, E591*.
Identifiers: ClinVar variation 2922078 (VCV002922078.3), dbSNP rs2517119949, ClinGen allele CA409677758.